The following is an entry in ClinVar:

ClinVar aggregate classification (germline): Likely pathogenic (1 of 4 stars; one submission).

Submission:

Labcorp Genetics (formerly Invitae), Labcorp
Classification: Likely pathogenic. Last evaluated: 2025-04-07. Review status: criteria provided, single submitter. Criteria: Invitae Variant Classification Sherloc (09022015). Collection method: clinical testing. Allele origin: germline.
Comment: This sequence change affects a donor splice site in intron 7 of the SLC12A6 gene. It is expected to disrupt RNA splicing. Variants that disrupt the donor or acceptor splice site typically lead to a loss of protein function (PMID: 16199547), and loss-of-function variants in SLC12A6 are known to be pathogenic (PMID: 12368912, 16606917). This variant is not present in population databases (gnomAD no frequency). This variant has not been reported in the literature in individuals affected with SLC12A6-related conditions. Algorithms developed to predict the effect of sequence changes on RNA splicing suggest that this variant may disrupt the consensus splice site. In summary, the currently available evidence indicates that the variant is pathogenic, but additional data are needed to prove that conclusively. Therefore, this variant has been classified as Likely Pathogenic.

Literature cited by the submitters: PubMed 16199547; PubMed 12368912; PubMed 16606917.

NM_001365088.1(SLC12A6):c.876+1G>T

Gene: SLC12A6 (solute carrier family 12 member 6; minus strand). Cytogenetic location: 15q14.
Variant type: single nucleotide variant.
Coding change: c.876+1G>T on transcript NM_001365088.1 (MANE Select); the canonical splice donor site of the intron after coding-DNA position 876, G replaced by T.
Molecular consequence: splice donor variant.
Genome position (GRCh38, 1-based): chr15:34,255,261, C>A on the plus strand (G>T on the coding strand, the complement: SLC12A6 is on the minus strand). VCF-style: chr15-34255261-C-A. GRCh37 (hg19) VCF-style: chr15-34547462-C-A.
Other names: c.699+1G>T (NM_001042495.2, NM_001042494.2); c.849+1G>T (NM_001042496.2); c.831+1G>T (NM_001042497.2); c.876+1G>T (NM_133647.2); c.723+1G>T (NM_005135.2).
Identifiers: ClinVar variation 4711818 (VCV004711818.1).
Genomic context (GRCh38, chr15:34,255,261, plus strand): 5'-AAGAATAAACCTAAATCAATATTTCTTCTATATTATAGACCACAATGAAGTCATTACTTA[C>A]CAGAAAGATTTCAATGGCACCAAGGATGTACATGGCTGCTGCAAATGTGGTACCAAGATA-3'